The following is an entry in ClinVar:

NM_001424076.1(GALC):c.-539G>A

Gene: GALC (galactosylceramidase; minus strand). Cytogenetic location: 14q31.3.
Variant type: single nucleotide variant.
Coding change: c.-539G>A on transcript NM_001424076.1; 539 bases upstream of the start codon, G replaced by A.
Molecular consequence: 5 prime UTR variant. On other transcripts: synonymous variant (1).
Genome position (GRCh38, 1-based): chr14:87,993,449, C>T on the plus strand (G>A on the coding strand, the complement: GALC is on the minus strand). VCF-style: chr14-87993449-C-T. GRCh37 (hg19) VCF-style: chr14-88459793-C-T.
Other names: c.51G>A, p.Ala17= (NM_001201402.2).
Identifiers: ClinVar variation 1298592 (VCV001298592.34), dbSNP rs557653194, ClinGen allele CA265469505.
Genomic context (GRCh38, chr14:87,993,449, plus strand): 5'-CTTCTCTTCCGGCGTCACCTGGTGGAGCACTTTAACGCAGGGAAGGTGGATTCCAAGGTC[C>T]GCCAAAGGAAGAGGGCCATGAGTGGCCCTACCATGGCTCTTCCCCAGCATCTCAGGGAGT-3'

ClinVar aggregate classification (germline): Likely benign (1 of 4 stars; one submission).

Allele frequency attached by ClinVar (database versions not stated): TOPMed 0.00021; gnomAD 0.00015 and 0.00016; 1000 Genomes Project 0.00020; gnomAD exomes 0.00027; 1000 Genomes Project 30x 0.00031.
gnomAD v4.1: 522 of 1,535,862 alleles (0.034%); highest among the groups gnomAD compares: Admixed American, 0.055%; no homozygotes.

Submission:

CeGaT Center for Human Genetics Tuebingen
Classification: Likely benign. Last evaluated: 2025-11-01. Review status: criteria provided, single submitter. Criteria: CeGaT Center For Human Genetics Tuebingen Variant Classification Criteria Version 2. Collection method: clinical testing. Allele origin: germline. Affected: yes. Observed: 5 variant alleles.
Comment: GALC: BP4, BP7